The following is an entry in ClinVar:

ClinVar aggregate classification (germline): Pathogenic/Likely pathogenic. Review status: criteria provided, multiple submitters, no conflicts (2 of 4 stars). 2 submissions from 2 submitters: Pathogenic (1); Likely pathogenic (1). Last evaluated 2025-05-06.

Conditions:
Sandhoff disease. Also called: Beta-hexosaminidase-beta-subunit deficiency; GM2 gangliosidosis, type 2; Total hexosaminidase deficiency; Sandhoff-Jatzkewitz-Pilz disease; GM2-GANGLIOSIDOSIS, TYPE II; HEXOSAMINIDASES A AND B DEFICIENCY. Identifiers: Orphanet 796, MedGen C0036161, MONDO:0010006, OMIM 268800.

Submissions (2):

Myriad Genetics, Inc.
Classification: Pathogenic for Sandhoff disease. Last evaluated: 2025-05-06. Review status: criteria provided, single submitter. Criteria: Myriad Autosomal Dominant, Autosomal Recessive and X-Linked Classification Criteria (2023). Collection method: clinical testing. Allele origin: unknown.
Comment: NM_000521.3(HEXB):c.1015_1018delGAAA(E339Lfs*32) is expected to be pathogenic in the context of Sandhoff disease. This variant is predicted to lead to an abnormal or absent protein product due to the creation of a premature termination codon in HEXB, a gene where loss-of-function variants are known to be pathogenic. Please note: this variant was assessed in the context of healthy population screening.

Fulgent Genetics
Classification: Likely pathogenic for Sandhoff disease. Last evaluated: 2024-01-08. Review status: criteria provided, single submitter. Criteria: ACMG Guidelines, 2015. Collection method: clinical testing. Allele origin: germline.

NM_000521.4(HEXB):c.1015_1018del (p.Glu339fs)

Gene: HEXB (hexosaminidase subunit beta; plus strand). Cytogenetic location: 5q13.3.
Variant type: Deletion.
Coding change: c.1015_1018del on transcript NM_000521.4 (MANE Select); coding-DNA positions 1015 to 1018, 4 bases deleted (GAAA; older notation c.1015_1018delGAAA).
Protein change: p.Glu339fs; shifts the reading frame from glutamic acid 339.
Molecular consequence: frameshift variant.
Genome position (GRCh38, 1-based): chr5:74,715,623-74,715,626, GAAA deleted; deleting any 4 consecutive bases within chr5:74,715,620-74,715,626 gives the same sequence; the c. name uses the placement nearest the transcript's 3' end. VCF-style (leftmost placement, unchanged base first): chr5-74715619-CAAAG-C. GRCh37 (hg19) VCF-style: chr5-74011444-CAAAG-C.
Other names: c.340_343del, p.Glu114fs (NM_001292004.2); short protein forms E114fs, E339fs.
Identifiers: ClinVar variation 3592760 (VCV003592760.2).